The following is an entry in ClinVar:

ClinVar aggregate classification (germline): Conflicting classifications of pathogenicity. Review status: criteria provided, conflicting classifications (1 of 4 stars). 3 submissions from 3 submitters: Uncertain significance (1); Likely benign (1). 1 of the submissions does not count toward it. Last evaluated 2020-10-19.

Conditions:
Alkuraya-Kucinskas syndrome. Identifiers: Orphanet 610569, MedGen C4693347, MONDO:0060631, OMIM 617822.
BLTP1-related disorder. Also called: BLTP1-related condition.

Allele frequency attached by ClinVar (database versions not stated): ESP Exome Variant Server 0.00025; gnomAD 0.00030 and 0.00042; TOPMed 0.00035; ExAC 0.00040; gnomAD exomes 0.00048; 1000 Genomes Project 0.00220; 1000 Genomes Project 30x 0.00281.
gnomAD v4.1: 283 of 1,611,974 alleles (0.018%); highest among the groups gnomAD compares: East Asian, 0.36%; 5 homozygotes.

Submissions (3):

Victorian Clinical Genetics Services, Murdoch Childrens Research Institute
Classification: Likely benign for Alkuraya-Kucinskas syndrome. Last evaluated: 2020-10-19. Review status: criteria provided, single submitter. Criteria: ACMG Guidelines, 2015. Collection method: clinical testing. Allele origin: germline. Inheritance: Autosomal recessive inheritance.
Comment: Based on the classification scheme VCGS_Germline_v1.3.4, this variant is classified as Likely Benign. Following criteria are met: 0102 - Loss of function is a known mechanism of disease in this gene and is associated with Alkuraya-Kucinskas syndrome (MIM#617822). (I) 0106 - This gene is associated with autosomal recessive disease. (I) 0200 - Variant is predicted to result in a missense amino acid change from proline to arginine. (I) 0251 - This variant is heterozygous. (I) 0308 - Population frequency for this variant is out of keeping with known incidence of Alkuraya-Kucinskas syndrome (present in gnomAD (v2) 127 heterozygotes, 2 homozygotes). (SB) 0309 - An alternative amino acid change at the same position has been observed in gnomAD (v2) (2 heterozygotes, 0 homozygotes). (I) 0501 - Missense variant consistently predicted to be damaging by multiple in silico tools or highly conserved with a major amino acid change. (SP) 0604 - Variant is not located in an established domain, motif, hotspot or informative constraint region. (I) 0705 - No comparable missense variants have previous evidence for pathogenicity. (I) 0809 - Previous evidence of pathogenicity for this variant is inconclusive. The variant has previously been classified as a VUS (ClinVar). (I) 0905 - No published segregation evidence has been identified for this variant. (I) 1007 - No published functional evidence has been identified for this variant. (I) 1208 - Inheritance information for this variant is not currently available in this individual. (I) Legend: (SP) - Supporting pathogenic, (I) - Information, (SB) - Supporting benign

CeGaT Center for Human Genetics Tuebingen
Classification: Uncertain significance. Last evaluated: 2019-02-01. Review status: criteria provided, single submitter. Criteria: CeGaT Center For Human Genetics Tuebingen Variant Classification Criteria Version 2. Collection method: clinical testing. Allele origin: germline. Affected: yes. Observed: 1 variant allele.

PreventionGenetics, part of Exact Sciences
Classification: Likely benign for BLTP1-related condition. Last evaluated: 2019-05-23. Review status: no assertion criteria provided. Collection method: clinical testing. Allele origin: germline. Not counted in ClinVar's aggregate classification.
Comment: This variant is classified as likely benign based on ACMG/AMP sequence variant interpretation guidelines (Richards et al. 2015 PMID: 25741868, with internal and published modifications).

NM_001384125.1(BLTP1):c.575C>G (p.Pro192Arg)

Gene: BLTP1 (bridge-like lipid transfer protein family member 1; plus strand). Cytogenetic location: 4q27.
Variant type: single nucleotide variant.
Coding change: c.575C>G on transcript NM_001384125.1 (MANE Select); coding-DNA position 575, C replaced by G.
Protein change: p.Pro192Arg; replaces proline 192 with arginine.
Molecular consequence: missense variant.
Genome position (GRCh38, 1-based): chr4:122,187,460, C>G. VCF-style: chr4-122187460-C-G. GRCh37 (hg19) VCF-style: chr4-123108615-C-G.
Other names: c.575C>G, p.Pro192Arg (NM_015312.4); short protein forms P192R.
Identifiers: ClinVar variation 809676 (VCV000809676.44), dbSNP rs188182890, ClinGen allele CA3065388.
Genomic context (GRCh38, chr4:122,187,460, plus strand): 5'-TATTCATGTCAGTTTTATTTTTTCTTGTTAGAGTTAAAGTAAAAACAGAATCCCAAGACC[C>G]CACATCTTCATGGAGATCACTTATTCCAGTCATAAAGGTCAATGTGAGCACAGTAAGTAA-3'
Protein context (NP_001371054.1, residues 182-202): RVKVKTESQD[Pro192Arg]TSSWRSLIPV